The following is an entry in ClinVar:

ClinVar aggregate classification (germline): Uncertain significance (1 of 4 stars; one submission).

Conditions:
Tuberous sclerosis 2 (TSC2). Identifiers: Orphanet 805, MedGen C1860707, MONDO:0013199, OMIM 613254.

gnomAD v4.1: 1 of 1,446,382 alleles (0.000069%); no homozygotes.

Submission:

Institute of Human Genetics, University of Leipzig Medical Center
Classification: Uncertain significance for Tuberous sclerosis 2. Last evaluated: 2025-03-21. Review status: criteria provided, single submitter. Criteria: ACMG Guidelines, 2015. Collection method: clinical testing. Allele origin: unknown. Inheritance: Autosomal dominant inheritance. Affected: yes.
Comment: Criteria applied: PM2_SUP,PP3

NM_000548.5(TSC2):c.2838-125C>A

Gene: TSC2 (TSC complex subunit 2; plus strand). Cytogenetic location: 16p13.3.
Variant type: single nucleotide variant.
Coding change: c.2838-125C>A on transcript NM_000548.5 (MANE Select); 125 bases into the intron before coding-DNA position 2838, C replaced by A.
Molecular consequence: intron variant.
Genome position (GRCh38, 1-based): chr16:2,077,473, C>A. VCF-style: chr16-2077473-C-A. GRCh37 (hg19) VCF-style: chr16-2127474-C-A.
Other names: c.1493+888C>A (NM_001406693.1, NM_001406690.1, NM_001406692.1 and 5 more transcripts); c.2927+888C>A (NM_001406667.1, NM_001406668.1); c.2238-125C>A (NM_001406680.1, NM_001406683.1, NM_001406682.1 and 1 more transcripts); c.2237+888C>A (NM_001406687.1, NM_001406685.1, NM_001318831.2 and 2 more transcripts); c.1494-125C>A (NM_001406689.1); c.1235+888C>A (NM_001406698.1); c.2838-125C>A (NM_001114382.3, NM_001406663.1, NM_001406664.1); c.2837+888C>A (NM_021055.3, NM_001370405.1, NM_001363528.2 and 3 more transcripts); and 8 more.
Identifiers: ClinVar variation 3778713 (VCV003778713.1).